The following is an entry in ClinVar:

ClinVar aggregate classification (germline): Likely pathogenic (1 of 4 stars; one submission).

Conditions:
Cardiovascular phenotype. Identifiers: MedGen CN230736.

Submission:

Ambry Genetics
Classification: Likely pathogenic for Cardiovascular phenotype. Last evaluated: 2026-07-02. Review status: criteria provided, single submitter. Criteria: Ambry Variant Classification Scheme 2023. Collection method: clinical testing. Allele origin: germline.
Comment: The c.39507delC variant, located in coding exon 143 of the TTN gene, results from a deletion of one nucleotide at nucleotide position 39507, causing a translational frameshift with a predicted alternate stop codon (p.V13170Lfs*22). This exon is located in the A-band region of the N2-B isoform of the titin protein and is constitutively expressed in TTN transcripts (percent spliced in or PSI 100%). This variant is expected to result in loss of function by premature protein truncation or nonsense-mediated mRNA decay. While truncating variants in TTN are present in 1-3% of the general population, truncating variants in the A-band are the most common cause of dilated cardiomyopathy (Herman DS et al. N. Engl. J. Med., 2012 Feb;366:619-28; Roberts AM et al. Sci Transl Med, 2015 Jan;7:270ra6). TTN truncating variants encoded in constitutive exons (PSI >90%) have been found to be significantly associated with DCM regardless of their position in titin (Schafer S et al. Nat. Genet., 2017 01;49:46-53; Akhtar MM et al. Circ Heart Fail, 2020 Oct;13:e006832; Massier M et al. Clin Genet, 2025 Jan). This variant is considered to be rare based on population cohorts in the Genome Aggregation Database (gnomAD). Based on the majority of available evidence to date, this variant is likely to be pathogenic.

NM_001267550.2(TTN):c.66702del (p.Val22235fs)

Genes: TTN (titin; minus strand), TTN-AS1 (TTN antisense RNA 1; plus strand). Cytogenetic location: 2q31.2.
Variant type: Deletion.
Coding change: c.66702del on transcript NM_001267550.2 (MANE Select); coding-DNA position 66702, one base deleted (C; older notation c.66702delC).
Protein change: p.Val22235fs; shifts the reading frame from valine 22235.
Molecular consequence: frameshift variant.
Genome position (GRCh38, 1-based): chr2:178,581,566, G deleted on the plus strand (C on the coding strand, the reverse complement: TTN is on the minus strand); the first of 2 consecutive G bases (chr2:178,581,566-178,581,567); deleting either gives the same sequence. VCF-style (leftmost placement, unchanged base first): chr2-178581565-CG-C. GRCh37 (hg19) VCF-style: chr2-179446292-CG-C.
Other names: c.61779del, p.Val20594fs (NM_001256850.1); c.39507del, p.Val13170fs (NM_003319.4); c.58998del, p.Val19667fs (NM_133378.4); c.39882del, p.Val13295fs (NM_133432.3); c.40083del, p.Val13362fs (NM_133437.4); c.39507delC (NM_003319.4); short protein forms V13295fs, V13170fs, V13362fs, V22235fs, V19667fs, V20594fs.
Identifiers: ClinVar variation 5031455 (VCV005031455.1).